The following is an entry in ClinVar:

ClinVar aggregate classification (germline): Uncertain significance. Review status: criteria provided, multiple submitters, no conflicts (2 of 4 stars). 2 submissions from 2 submitters: Uncertain significance (2). Last evaluated 2024-01-04.

Conditions:
Primary ciliary dyskinesia. Also called: Ciliary dyskinesia. Identifiers: Orphanet 244, MedGen C0008780, MONDO:0016575, HP:0012265.
Inborn genetic diseases. Identifiers: MedGen C0950123, MeSH D030342.

Allele frequency attached by ClinVar (database versions not stated): gnomAD exomes below 0.00001; ExAC 0.00002; gnomAD 0.00002; TOPMed 0.00003; 1000 Genomes Project 30x 0.00016; 1000 Genomes Project 0.00020.

Submissions (2):

Ambry Genetics
Classification: Uncertain significance for Inborn genetic diseases. Last evaluated: 2024-01-04. Review status: criteria provided, single submitter. Criteria: Ambry Variant Classification Scheme 2023. Collection method: clinical testing. Allele origin: germline.

Labcorp Genetics (formerly Invitae), Labcorp
Classification: Uncertain significance for Primary ciliary dyskinesia. Last evaluated: 2022-07-21. Review status: criteria provided, single submitter. Criteria: Invitae Variant Classification Sherloc (09022015). Collection method: clinical testing. Allele origin: germline.
Comment: In summary, the available evidence is currently insufficient to determine the role of this variant in disease. Therefore, it has been classified as a Variant of Uncertain Significance. Algorithms developed to predict the effect of missense changes on protein structure and function are either unavailable or do not agree on the potential impact of this missense change (SIFT: "Tolerated"; PolyPhen-2: "Probably Damaging"; Align-GVGD: "Class C0"). This variant has not been reported in the literature in individuals affected with RSPH1-related conditions. This variant is present in population databases (rs533343864, gnomAD 0.01%). This sequence change replaces asparagine, which is neutral and polar, with aspartic acid, which is acidic and polar, at codon 109 of the RSPH1 protein (p.Asn109Asp).

NM_080860.4(RSPH1):c.325A>G (p.Asn109Asp)

Gene: RSPH1 (radial spoke head component 1; minus strand). Cytogenetic location: 21q22.3.
Variant type: single nucleotide variant.
Coding change: c.325A>G on transcript NM_080860.4 (MANE Select); coding-DNA position 325, A replaced by G.
Protein change: p.Asn109Asp; replaces asparagine 109 with aspartic acid.
Molecular consequence: missense variant.
Genome position (GRCh38, 1-based): chr21:42,486,411, T>C on the plus strand (A>G on the coding strand, the complement: RSPH1 is on the minus strand). VCF-style: chr21-42486411-T-C. GRCh37 (hg19) VCF-style: chr21-43906521-T-C.
Other names: c.211A>G, p.Asn71Asp (NM_001286506.2); c.325A>G (NM_080860.2); short protein forms N71D, N109D.
Identifiers: ClinVar variation 1918792 (VCV001918792.6), dbSNP rs533343864, ClinGen allele CA10043979.